The following is an entry in ClinVar:

ClinVar aggregate classification (germline): Likely pathogenic. Review status: criteria provided, multiple submitters, no conflicts (2 of 4 stars). 2 submissions from 2 submitters: Likely pathogenic (2). Last evaluated 2025-05-15.

Conditions:
Ehlers-Danlos syndrome, type 4 (EDSVASC). Also called: Ehlers-Danlos syndrome vascular type; Ehlers Danlos syndrome, ecchymotic type; Ehlers Danlos syndrome, arterial type; Ehlers Danlos syndrome, Sack-Barabas type; Ehlers-Danlos Syndrome Type IV. Identifiers: Orphanet 286, MedGen C0268338, MONDO:0017314, OMIM 130050.
Familial thoracic aortic aneurysm and aortic dissection (TAAD). Also called: Thoracic aortic aneurysms and dissections. Identifiers: Orphanet 91387, MedGen C4707243, MONDO:0019625.

Submissions (2):

Ambry Genetics
Classification: Likely pathogenic for Familial thoracic aortic aneurysm and aortic dissection. Last evaluated: 2025-05-15. Review status: criteria provided, single submitter. Criteria: Ambry Variant Classification Scheme 2023. Collection method: clinical testing. Allele origin: germline.
Comment: The p.G441R variant (also known as c.1321G>A), located in coding exon 19 of the COL3A1 gene, results from a G to A substitution at nucleotide position 1321. The glycine at codon 441 is replaced by arginine, an amino acid with dissimilar properties. The majority (approximately two-thirds) of COL3A1 mutations identified to date have involved the substitution of another amino acid for glycine within the triple-helical domain (Pepin MG et al. Genet Med. 2014;16(12):881-8; Frank M et al. Eur J Hum Genet. 2015;23(12):1657-64). Internal structural analysis indicates that this alteration disrupts the characteristic G-X-Y motif in the COL3A1 protein and inserts a bulky side chain into a sterically-constrained region (Bella J et al. Science. 1994;266:75-81; Hohenester E et al. Proc. Natl. Acad. Sci. U.S.A. 2008;105:18273-7; Ambry internal data). This amino acid position is highly conserved in available vertebrate species. In addition, this alteration is predicted to be deleterious by in silico analysis. This variant is considered to be rare based on population cohorts in the Genome Aggregation Database (gnomAD). Based on the majority of available evidence to date, this variant is likely to be pathogenic.

Labcorp Genetics (formerly Invitae), Labcorp
Classification: Likely pathogenic for Ehlers-Danlos syndrome, type 4. Last evaluated: 2022-11-08. Review status: criteria provided, single submitter. Criteria: Invitae Variant Classification Sherloc (09022015). Collection method: clinical testing. Allele origin: germline.
Comment: This sequence change replaces glycine, which is neutral and non-polar, with arginine, which is basic and polar, at codon 441 of the COL3A1 protein (p.Gly441Arg). In summary, the currently available evidence indicates that the variant is pathogenic, but additional data are needed to prove that conclusively. Therefore, this variant has been classified as Likely Pathogenic. This variant disrupts the p.Gly441 amino acid residue in COL3A1. Other variant(s) that disrupt this residue have been observed in individuals with COL3A1-related conditions (Invitae), which suggests that this may be a clinically significant amino acid residue. This variant disrupts the triple helix domain of COL3A1. Glycine residues within the Gly-Xaa-Yaa repeats of the triple helix domain are required for the structure and stability of fibrillar collagens (PMID: 7695699, 8218237, 19344236). In COL3A1, variants that affect these glycine residues are significantly enriched in individuals with disease (PMID: 24922459, 25758994) compared to the general population (ExAC). Advanced modeling of protein sequence and biophysical properties (such as structural, functional, and spatial information, amino acid conservation, physicochemical variation, residue mobility, and thermodynamic stability) performed at Invitae indicates that this missense variant is expected to disrupt COL3A1 protein function. This variant has not been reported in the literature in individuals affected with COL3A1-related conditions. This variant is not present in population databases (gnomAD no frequency).

Literature cited by the submitters: PubMed 7695699 (cited by Labcorp Genetics (formerly Invitae), Labcorp); PubMed 8218237 (cited by Labcorp Genetics (formerly Invitae), Labcorp); PubMed 19344236 (cited by Labcorp Genetics (formerly Invitae), Labcorp); PubMed 24922459 (cited by Labcorp Genetics (formerly Invitae), Labcorp); PubMed 25758994 (cited by Labcorp Genetics (formerly Invitae), Labcorp).

NM_000090.4(COL3A1):c.1321G>A (p.Gly441Arg)

Gene: COL3A1 (collagen type III alpha 1 chain; plus strand). Cytogenetic location: 2q32.2.
Variant type: single nucleotide variant.
Coding change: c.1321G>A on transcript NM_000090.4 (MANE Select); coding-DNA position 1321, G replaced by A.
Protein change: p.Gly441Arg; replaces glycine 441 with arginine.
Molecular consequence: missense variant.
Genome position (GRCh38, 1-based): chr2:188,994,568, G>A. VCF-style: chr2-188994568-G-A. GRCh37 (hg19) VCF-style: chr2-189859294-G-A.
Other names: short protein forms G441R.
Identifiers: ClinVar variation 2032118 (VCV002032118.5), dbSNP rs2469129512, ClinGen allele CA349851667.